The following is an entry in ClinVar:

NM_005198.4(CHKB):c.-269C>T

Genes: CHKB (choline kinase beta; minus strand), CHKB-DT (CHKB divergent transcript; plus strand), LOC130067884 (ATAC-STARR-seq lymphoblastoid silent region 14002; plus strand). Cytogenetic location: 22q13.33.
Variant type: single nucleotide variant.
Coding change: c.-269C>T on transcript NM_005198.4; 269 bases upstream of the start codon, C replaced by T.
Molecular consequence: non-coding transcript variant (on NR_021492.2).
Genome position (GRCh38, 1-based): chr22:50,583,050, G>A on the plus strand (C>T on the coding strand, the complement: CHKB is on the minus strand). VCF-style: chr22-50583050-G-A. GRCh37 (hg19) VCF-style: chr22-51021479-G-A.
Identifiers: ClinVar variation 677494 (VCV000677494.3), dbSNP rs114926682, ClinGen allele CA325541445.

ClinVar aggregate classification (germline): Benign (1 of 4 stars; one submission).

Allele frequency attached by ClinVar (database versions not stated): gnomAD exomes 0.00162; gnomAD 0.01662 and 0.01766; 1000 Genomes Project 0.02137; TOPMed 0.01912; 1000 Genomes Project 30x 0.02217.

Submission:

GeneDx
Classification: Benign. Last evaluated: 2018-06-18. Review status: criteria provided, single submitter. Criteria: GeneDx Variant Classification (06012015). Collection method: clinical testing. Allele origin: germline. Affected: yes.
Comment: This variant is considered likely benign or benign based on one or more of the following criteria: it is a conservative change, it occurs at a poorly conserved position in the protein, it is predicted to be benign by multiple in silico algorithms, and/or has population frequency not consistent with disease.